The following is an entry in ClinVar:

NM_001999.4(FBN2):c.5246G>A (p.Cys1749Tyr)

Gene: FBN2 (fibrillin 2; minus strand). Cytogenetic location: 5q23.3.
Variant type: single nucleotide variant.
Coding change: c.5246G>A on transcript NM_001999.4 (MANE Select); coding-DNA position 5246, G replaced by A.
Protein change: p.Cys1749Tyr; replaces cysteine 1749 with tyrosine.
Molecular consequence: missense variant.
Genome position (GRCh38, 1-based): chr5:128,309,354, C>T on the plus strand (G>A on the coding strand, the complement: FBN2 is on the minus strand). VCF-style: chr5-128309354-C-T. GRCh37 (hg19) VCF-style: chr5-127645046-C-T.
Other names: short protein forms C1749Y.
Identifiers: ClinVar variation 4884917 (VCV004884917.2).

ClinVar aggregate classification (germline): Uncertain significance (1 of 4 stars; one submission).

gnomAD v4.1: 2 of 1,614,082 alleles (0.00012%); highest among the groups gnomAD compares: Admixed American, 0.0017%; no homozygotes.

Submission:

Dasa
Classification: Uncertain significance. Last evaluated: 2026-04-16. Review status: criteria provided, single submitter. Criteria: DASA Assertion Criteria. Collection method: clinical testing. Allele origin: germline.
Comment: NM_001999.4(FBN2):c.5246G>A (p.Cys1749Tyr) is a missense variant that results in the substitution of cysteine with tyrosine. This variant is rare in population databases. Computational prediction algorithms are consistent with a deleterious effect. The currently available literature and clinical evidence are not sufficient to establish a definitive association between this variant and the reported condition. Therefore, this variant is classified as a variant of uncertain significance.